The following is an entry in ClinVar:

NM_004836.7(EIF2AK3):c.972G>C (p.Lys324Asn)

Gene: EIF2AK3 (eukaryotic translation initiation factor 2 alpha kinase 3; minus strand). Cytogenetic location: 2p11.2.
Variant type: single nucleotide variant.
Coding change: c.972G>C on transcript NM_004836.7 (MANE Select); coding-DNA position 972, G replaced by C.
Protein change: p.Lys324Asn; replaces lysine 324 with asparagine.
Molecular consequence: missense variant.
Genome position (GRCh38, 1-based): chr2:88,590,848, C>G on the plus strand (G>C on the coding strand, the complement: EIF2AK3 is on the minus strand). VCF-style: chr2-88590848-C-G. GRCh37 (hg19) VCF-style: chr2-88890366-C-G.
Other names: c.519G>C, p.Lys173Asn (NM_001313915.2); short protein forms K173N, K324N.
Identifiers: ClinVar variation 2063860 (VCV002063860.1), dbSNP rs2529171339, ClinGen allele CA347595791.

ClinVar aggregate classification (germline): Uncertain significance (1 of 4 stars; one submission).

Allele frequency attached by ClinVar (database versions not stated): gnomAD exomes below 0.00001.
gnomAD v4.1: 1 of 1,614,126 alleles (0.000062%); highest among the groups gnomAD compares: Non-Finnish European, 0.000085%; no homozygotes.

Submission:

Labcorp Genetics (formerly Invitae), Labcorp
Classification: Uncertain significance. Last evaluated: 2022-10-25. Review status: criteria provided, single submitter. Criteria: Invitae Variant Classification Sherloc (09022015). Collection method: clinical testing. Allele origin: germline.
Comment: This sequence change replaces lysine, which is basic and polar, with asparagine, which is neutral and polar, at codon 324 of the EIF2AK3 protein (p.Lys324Asn). This variant is not present in population databases (gnomAD no frequency). This variant has not been reported in the literature in individuals affected with EIF2AK3-related conditions. Algorithms developed to predict the effect of missense changes on protein structure and function are either unavailable or do not agree on the potential impact of this missense change (SIFT: "Tolerated"; PolyPhen-2: "Possibly Damaging"; Align-GVGD: "Class C0"). In summary, the available evidence is currently insufficient to determine the role of this variant in disease. Therefore, it has been classified as a Variant of Uncertain Significance.